The following is an entry in ClinVar:

ClinVar aggregate classification (germline): Benign. Review status: criteria provided, multiple submitters, no conflicts (2 of 4 stars). 3 submissions from 3 submitters: Benign (3). Last evaluated 2026-01-15.

Allele frequency attached by ClinVar (database versions not stated): 1000 Genomes Project 0.00479; gnomAD exomes 0.01205 and 0.01428; 1000 Genomes Project 30x 0.00468; ESP Exome Variant Server 0.01059.
gnomAD v4.1: 22,439 of 1,609,764 alleles (1.4%); highest among the groups gnomAD compares: Non-Finnish European, 1.6%; 189 homozygotes.

Submissions (3):

Labcorp Genetics (formerly Invitae), Labcorp
Classification: Benign. Last evaluated: 2026-01-15. Review status: criteria provided, single submitter. Criteria: Invitae Variant Classification Sherloc (09022015). Collection method: clinical testing. Allele origin: germline.

Mayo Clinic Laboratories, Mayo Clinic
Classification: Benign. Last evaluated: 2025-06-23. Review status: criteria provided, single submitter. Criteria: ACMG Guidelines, 2015. Collection method: clinical testing. Allele origin: germline. Observed: 2 variant alleles.
Comment: BS1, BS2, BP4

Breakthrough Genomics
Classification: Benign. Review status: criteria provided, single submitter. Criteria: ACMG Guidelines, 2015. Collection method: not provided. Allele origin: germline. Inheritance: Autosomal recessive inheritance. Affected: yes.

NM_005560.6(LAMA5):c.7462G>A (p.Ala2488Thr)

Gene: LAMA5 (laminin subunit alpha 5; minus strand). Cytogenetic location: 20q13.33.
Variant type: single nucleotide variant.
Coding change: c.7462G>A on transcript NM_005560.6 (MANE Select); coding-DNA position 7462, G replaced by A.
Protein change: p.Ala2488Thr; replaces alanine 2488 with threonine.
Molecular consequence: missense variant.
Genome position (GRCh38, 1-based): chr20:62,317,394, C>T on the plus strand (G>A on the coding strand, the complement: LAMA5 is on the minus strand). VCF-style: chr20-62317394-C-T. GRCh37 (hg19) VCF-style: chr20-60892450-C-T.
Other names: p.Ala2488Thr; short protein forms A2488T.
Identifiers: ClinVar variation 1609920 (VCV001609920.10), dbSNP rs148169370, ClinGen allele CA9941226.